The following is an entry in ClinVar:

NM_016169.4(SUFU):c.210T>C (p.Tyr70=)

Gene: SUFU (SUFU negative regulator of hedgehog signaling; plus strand). Cytogenetic location: 10q24.32.
Variant type: single nucleotide variant.
Coding change: c.210T>C on transcript NM_016169.4 (MANE Select); coding-DNA position 210, T replaced by C.
Protein change: p.Tyr70=; no amino-acid change (tyrosine 70 retained).
Molecular consequence: synonymous variant.
Genome position (GRCh38, 1-based): chr10:102,509,196, T>C. VCF-style: chr10-102509196-T-C. GRCh37 (hg19) VCF-style: chr10-104268953-T-C.
Other names: p.Tyr70=; c.210T>C, p.Tyr70= (NM_001178133.2).
Identifiers: ClinVar variation 241086 (VCV000241086.52), dbSNP rs35166585, ClinGen allele CA5667635.

ClinVar aggregate classification (germline): Benign/Likely benign. Review status: criteria provided, multiple submitters, no conflicts (2 of 4 stars). 12 submissions from 12 submitters: Benign (5); Likely benign (7). Last evaluated 2026-02-02.

Conditions:
Joubert syndrome 32 (JBTS32). Identifiers: MedGen C4540342, MONDO:0033309, OMIM 617757.
Basal cell nevus syndrome 2 (BCNS2). Also called: NEVOID BASAL CELL CARCINOMA SYNDROME 2. Identifiers: MedGen C5830451, MONDO:0958189, OMIM 620343.
Familial meningioma. Also called: Meningioma, familial, susceptibility to. Identifiers: Orphanet 263662, MedGen C3551915, MONDO:0011789, OMIM 607174.
Medulloblastoma (MDB). Also called: MEDULLOBLASTOMA PREDISPOSITION SYNDROME; Medulloblastoma, somatic. Identifiers: Orphanet 616, MedGen C0025149, MeSH D008527, MONDO:0007959, OMIM 155255, HP:0002885.
Gorlin syndrome. Also called: Nevoid Basal Cell Carcinoma Syndrome; Basal cell nevus syndrome. Identifiers: Orphanet 377, MedGen C0004779, MONDO:0007187.
Hereditary cancer-predisposing syndrome. Also called: Tumor predisposition; Hereditary Cancer Syndrome; Neoplastic Syndromes, Hereditary; Hereditary neoplastic syndrome. Identifiers: Orphanet 140162, MedGen C0027672, MeSH D009386, MONDO:0015356.

Allele frequency attached by ClinVar (database versions not stated): gnomAD exomes 0.00038 and 0.00109; ExAC 0.00133; 1000 Genomes Project 0.00300; 1000 Genomes Project 30x 0.00328; gnomAD 0.00395 and 0.00430; TOPMed 0.00462; ESP Exome Variant Server 0.00523.
gnomAD v4.1: 1,186 of 1,614,218 alleles (0.073%); highest among the groups gnomAD compares: African/African-American, 1.4%; 6 homozygotes.

Submissions (12):

Labcorp Genetics (formerly Invitae), Labcorp
Classification: Benign for Gorlin syndrome; Medulloblastoma. Last evaluated: 2026-02-02. Review status: criteria provided, single submitter. Criteria: Invitae Variant Classification Sherloc (09022015). Collection method: clinical testing. Allele origin: germline.

Center for Genomic Medicine, Rigshospitalet, Copenhagen University Hospital
Classification: Benign. Last evaluated: 2025-12-29. Review status: criteria provided, single submitter. Criteria: ACMG Guidelines, 2015. Collection method: clinical testing. Allele origin: germline.

Quest Diagnostics Nichols Institute San Juan Capistrano
Classification: Benign. Last evaluated: 2025-06-11. Review status: criteria provided, single submitter. Criteria: Quest Diagnostics criteria. Collection method: clinical testing. Allele origin: unknown.

Mayo Clinic Laboratories, Mayo Clinic
Classification: Likely benign. Last evaluated: 2025-06-05. Review status: criteria provided, single submitter. Criteria: ACMG Guidelines, 2015. Collection method: clinical testing. Allele origin: germline. Observed: 1 variant allele.
Comment: BS1, BP4, BP7

CeGaT Center for Human Genetics Tuebingen
Classification: Likely benign. Last evaluated: 2025-05-01. Review status: criteria provided, single submitter. Criteria: CeGaT Center For Human Genetics Tuebingen Variant Classification Criteria Version 2. Collection method: clinical testing. Allele origin: germline. Affected: yes. Observed: 5 variant alleles.
Comment: SUFU: BP4, BS1

Blueprint Genetics
Classification: Likely benign. Last evaluated: 2024-10-18. Review status: criteria provided, single submitter. Criteria: ACMG Guidelines, 2015. Collection method: clinical testing. Allele origin: germline.

Department of Pathology and Laboratory Medicine, Sinai Health System
Classification: Likely benign for Medulloblastoma; Familial meningioma; Joubert syndrome 32; Basal cell nevus syndrome 2. Last evaluated: 2024-07-12. Review status: criteria provided, single submitter. Criteria: ACMG Guidelines, 2015. Collection method: clinical testing. Allele origin: germline.

GeneDx
Classification: Likely benign. Last evaluated: 2021-04-26. Review status: criteria provided, single submitter. Criteria: GeneDx Variant Classification Process June 2021. Collection method: clinical testing. Allele origin: germline. Affected: yes.

Women's Health and Genetics/Laboratory Corporation of America, LabCorp
Classification: Benign. Last evaluated: 2018-11-19. Review status: criteria provided, single submitter. Criteria: LabCorp Variant Classification Summary - May 2015. Collection method: clinical testing. Allele origin: germline.
Comment: Variant summary: SUFU c.210T>C alters a non-conserved nucleotide resulting in a synonymous change. 5/5 computational tools predict no significant impact on normal splicing. However, these predictions have yet to be confirmed by functional studies. The variant allele was found at a frequency of 0.0014 in 274742 control chromosomes, predominantly at a frequency of 0.014 within the African subpopulation in the gnomAD database, including 3 homozygotes. The observed variant frequency within African control individuals in the gnomAD database is approximately 13888-folds higher than the estimated maximal expected allele frequency for a pathogenic variant in SUFU causing Nevoid Basal Cell Carcinoma Syndrome (Gorlin Syndrome) phenotype (1e-06), strongly suggesting that the variant is a benign polymorphism found primarily in populations of African origin. To our knowledge, no occurrence of c.210T>C in individuals affected with Nevoid Basal Cell Carcinoma Syndrome (Gorlin Syndrome) and no experimental evidence demonstrating its impact on protein function have been reported. Three ClinVar submissions from clinical diagnostic laboratories (evaluation after 2014) cite the variant twice as benign and once as uncertain significance. Based on the evidence outlined above, the variant was classified as benign.

Illumina Laboratory Services, Illumina
Classification: Likely benign for Medulloblastoma. Last evaluated: 2018-01-12. Review status: criteria provided, single submitter. Criteria: ICSL Variant Classification Criteria 13 December 2019. Collection method: clinical testing. Allele origin: germline.
Comment: This variant was observed in the ICSL laboratory as part of a predisposition screen in an ostensibly healthy population. It had not been previously curated by ICSL or reported in the Human Gene Mutation Database (HGMD: prior to June 1st, 2018), and was therefore a candidate for classification through an automated scoring system. Utilizing variant allele frequency, disease prevalence and penetrance estimates, and inheritance mode, an automated score was calculated to assess if this variant is too frequent to cause the disease. Based on the score and internal cut-off values, a variant classified as likely benign is not then subjected to further curation. The score for this variant resulted in a classification of likely benign for this disease.

Ambry Genetics
Classification: Benign for Hereditary cancer-predisposing syndrome. Last evaluated: 2017-03-08. Review status: criteria provided, single submitter. Criteria: Ambry Variant Classification Scheme 2023. Collection method: clinical testing. Allele origin: germline.

Breakthrough Genomics
Classification: Likely benign. Review status: criteria provided, single submitter. Criteria: ACMG Guidelines, 2015. Collection method: not provided. Allele origin: germline. Inheritance: Autosomal recessive inheritance. Affected: yes.

Literature cited by the submitters: PubMed 36315513 (cited by Quest Diagnostics Nichols Institute San Juan Capistrano).